The following is an entry in ClinVar:

ClinVar aggregate classification (germline): Uncertain significance (1 of 4 stars; one submission).

Submission:

Labcorp Genetics (formerly Invitae), Labcorp
Classification: Uncertain significance. Last evaluated: 2024-05-23. Review status: criteria provided, single submitter. Criteria: Invitae Variant Classification Sherloc (09022015). Collection method: clinical testing. Allele origin: germline.
Comment: This sequence change replaces glutamic acid, which is acidic and polar, with glutamine, which is neutral and polar, at codon 1581 of the NIN protein (p.Glu1581Gln). This variant is not present in population databases (gnomAD no frequency). This variant has not been reported in the literature in individuals affected with NIN-related conditions. An algorithm developed to predict the effect of missense changes on protein structure and function (PolyPhen-2) suggests that this variant is likely to be disruptive. Algorithms developed to predict the effect of sequence changes on RNA splicing suggest that this variant may create or strengthen a splice site. In summary, the available evidence is currently insufficient to determine the role of this variant in disease. Therefore, it has been classified as a Variant of Uncertain Significance.

NM_020921.4(NIN):c.4741G>C (p.Glu1581Gln)

Gene: NIN (ninein; minus strand). Cytogenetic location: 14q22.1.
Variant type: single nucleotide variant.
Coding change: c.4741G>C on transcript NM_020921.4 (MANE Select); coding-DNA position 4741, G replaced by C.
Protein change: p.Glu1581Gln; replaces glutamic acid 1581 with glutamine.
Molecular consequence: missense variant.
Genome position (GRCh38, 1-based): chr14:50,752,727, C>G on the plus strand (G>C on the coding strand, the complement: NIN is on the minus strand). VCF-style: chr14-50752727-C-G. GRCh37 (hg19) VCF-style: chr14-51219445-C-G.
Other names: c.2602G>C, p.Glu868Gln (NM_016350.5); c.4741G>C, p.Glu1581Gln (NM_182944.3, NM_182946.2); short protein forms E1581Q, E868Q.
Identifiers: ClinVar variation 3654478 (VCV003654478.2).